The following is an entry in ClinVar:

NM_177550.5(SLC13A5):c.547+179C>T

Gene: SLC13A5 (solute carrier family 13 member 5; minus strand). Cytogenetic location: 17p13.1.
Variant type: single nucleotide variant.
Coding change: c.547+179C>T on transcript NM_177550.5 (MANE Select); 179 bases into the intron after coding-DNA position 547, C replaced by T.
Molecular consequence: intron variant.
Genome position (GRCh38, 1-based): chr17:6,703,699, G>A on the plus strand (C>T on the coding strand, the complement: SLC13A5 is on the minus strand). VCF-style: chr17-6703699-G-A. GRCh37 (hg19) VCF-style: chr17-6607018-G-A.
Other names: c.418+179C>T (NM_001284510.2); c.496+179C>T (NM_001284509.2); c.547+179C>T (NM_001143838.3).
Identifiers: ClinVar variation 670096 (VCV000670096.1), dbSNP rs218676, ClinGen allele CA14495340.
Genomic context (GRCh38, chr17:6,703,699, plus strand): 5'-CAACTGATGGGAACTGAGGGTGAGACTTTGTTCAAAGCTCTATTAAAGGATCTAAGTTGT[G>A]TGCAATAATCCCCTCCTAAAACTTAGGACAACAGTATTTTCTATTTTTTTTTCTCTATGC-3'

ClinVar aggregate classification (germline): Benign (1 of 4 stars; one submission).

Allele frequency attached by ClinVar (database versions not stated): gnomAD 0.24163 and 0.24867; TOPMed 0.25842; 1000 Genomes Project 30x 0.34713; 1000 Genomes Project 0.35224.
gnomAD v4.1: 37,740 of 152,076 alleles (25%); highest among the groups gnomAD compares: East Asian, 59%; 5,390 homozygotes.

Submission:

GeneDx
Classification: Benign. Last evaluated: 2018-06-14. Review status: criteria provided, single submitter. Criteria: GeneDx Variant Classification (06012015). Collection method: clinical testing. Allele origin: germline. Affected: yes.
Comment: This variant is considered likely benign or benign based on one or more of the following criteria: it is a conservative change, it occurs at a poorly conserved position in the protein, it is predicted to be benign by multiple in silico algorithms, and/or has population frequency not consistent with disease.